The following is an entry in ClinVar:

ClinVar aggregate classification (germline): Uncertain significance (1 of 4 stars; one submission).

Submission:

Ambry Genetics
Classification: Uncertain significance. Last evaluated: 2021-12-11. Review status: criteria provided, single submitter. Criteria: Ambry Variant Classification Scheme 2023. Collection method: clinical testing. Allele origin: germline.
Comment: The p.E118V variant (also known as c.353A>T), located in coding exon 4 of the NQO1 gene, results from an A to T substitution at nucleotide position 353. The glutamic acid at codon 118 is replaced by valine, an amino acid with dissimilar properties. This amino acid position is conserved. In addition, the in silico prediction for this alteration is inconclusive. Since supporting evidence is limited at this time, the clinical significance of this alteration remains unclear.

NM_000903.3(NQO1):c.353A>T (p.Glu118Val)

Gene: NQO1 (NAD(P)H quinone dehydrogenase 1; minus strand). Cytogenetic location: 16q22.1.
Variant type: single nucleotide variant.
Coding change: c.353A>T on transcript NM_000903.3 (MANE Select); coding-DNA position 353, A replaced by T.
Protein change: p.Glu118Val; replaces glutamic acid 118 with valine.
Molecular consequence: missense variant. On other transcripts: intron variant (2).
Genome position (GRCh38, 1-based): chr16:69,715,028, T>A on the plus strand (A>T on the coding strand, the complement: NQO1 is on the minus strand). VCF-style: chr16-69715028-T-A. GRCh37 (hg19) VCF-style: chr16-69748931-T-A.
Other names: c.353A>T, p.Glu118Val (NM_001025433.2); c.303+3095A>T (NM_001286137.2); c.304-1899A>T (NM_001025434.2); short protein forms E118V.
Identifiers: ClinVar variation 1732438 (VCV001732438.2), dbSNP rs2544326590, ClinGen allele CA396488922.